The following is an entry in ClinVar:

ClinVar aggregate classification (germline): Likely benign (0 of 4 stars; one submission).

Conditions:
TRIM36-related disorder. Also called: TRIM36-related condition.

Allele frequency attached by ClinVar (database versions not stated): gnomAD exomes 0.00008; ExAC 0.00027; 1000 Genomes Project 0.00060; 1000 Genomes Project 30x 0.00062; gnomAD 0.00076; TOPMed 0.00084; ESP Exome Variant Server 0.00115.
gnomAD v4.1: 238 of 1,610,096 alleles (0.015%); highest among the groups gnomAD compares: African/African-American, 0.27%; no homozygotes.

Submission:

PreventionGenetics, part of Exact Sciences
Classification: Likely benign for TRIM36-related condition. Last evaluated: 2019-05-01. Review status: no assertion criteria provided. Collection method: clinical testing. Allele origin: germline.
Comment: This variant is classified as likely benign based on ACMG/AMP sequence variant interpretation guidelines (Richards et al. 2015 PMID: 25741868, with internal and published modifications).

NM_001300759.2(TRIM36):c.582A>G (p.Arg194=)

Gene: TRIM36 (tripartite motif containing 36; minus strand). Cytogenetic location: 5q22.3.
Variant type: single nucleotide variant.
Coding change: c.582A>G on transcript NM_001300759.2 (MANE Select); coding-DNA position 582, A replaced by G.
Protein change: p.Arg194=; no amino-acid change (arginine 194 retained).
Molecular consequence: synonymous variant.
Genome position (GRCh38, 1-based): chr5:115,147,075, T>C on the plus strand (A>G on the coding strand, the complement: TRIM36 is on the minus strand). VCF-style: chr5-115147075-T-C. GRCh37 (hg19) VCF-style: chr5-114482772-T-C.
Other names: c.153A>G, p.Arg51= (NM_001300752.2); c.618A>G, p.Arg206= (NM_018700.4).
Identifiers: ClinVar variation 3037329 (VCV003037329.2), dbSNP rs147965425, ClinGen allele CA3373624.